The following is an entry in ClinVar:

NM_007272.3(CTRC):c.607G>T (p.Ala203Ser)

Gene: CTRC (chymotrypsin C; plus strand). Cytogenetic location: 1p36.21.
Variant type: single nucleotide variant.
Coding change: c.607G>T on transcript NM_007272.3 (MANE Select); coding-DNA position 607, G replaced by T.
Protein change: p.Ala203Ser; replaces alanine 203 with serine.
Molecular consequence: missense variant.
Genome position (GRCh38, 1-based): chr1:15,444,719, G>T. VCF-style: chr1-15444719-G-T. GRCh37 (hg19) VCF-style: chr1-15771214-G-T.
Other names: short protein forms A203S.
Identifiers: ClinVar variation 3270177 (VCV003270177.1).

ClinVar aggregate classification (germline): Uncertain significance (1 of 4 stars; one submission).

Conditions:
Hereditary pancreatitis (PCTT). Also called: Hereditary chronic pancreatitis; PRSS1-Related Hereditary Pancreatitis. Identifiers: Orphanet 676, MedGen C0238339, MONDO:0008185, OMIM 167800.

Submission:

Ambry Genetics
Classification: Uncertain significance for Hereditary pancreatitis. Last evaluated: 2024-03-23. Review status: criteria provided, single submitter. Criteria: Ambry Variant Classification Scheme 2023. Collection method: clinical testing. Allele origin: germline.
Comment: The p.A203S variant (also known as c.607G>T), located in coding exon 6 of the CTRC gene, results from a G to T substitution at nucleotide position 607. The alanine at codon 203 is replaced by serine, an amino acid with similar properties. This amino acid position is conserved. In addition, this alteration is predicted to be deleterious by in silico analysis. Based on the available evidence, the clinical significance of this alteration remains unclear.